The following is an entry in ClinVar:

ClinVar aggregate classification (germline): Uncertain significance (1 of 4 stars; one submission).

Conditions:
Adams-Oliver syndrome 4 (AOS4). Identifiers: Orphanet 974, MedGen C3809092, MONDO:0014124, OMIM 615297.

Submission:

Labcorp Genetics (formerly Invitae), Labcorp
Classification: Uncertain significance for Adams-Oliver syndrome 4. Last evaluated: 2022-05-29. Review status: criteria provided, single submitter. Criteria: Invitae Variant Classification Sherloc (09022015). Collection method: clinical testing. Allele origin: germline.
Comment: This sequence change replaces histidine, which is basic and polar, with tyrosine, which is neutral and polar, at codon 27 of the EOGT protein (p.His27Tyr). In summary, the available evidence is currently insufficient to determine the role of this variant in disease. Therefore, it has been classified as a Variant of Uncertain Significance. Algorithms developed to predict the effect of missense changes on protein structure and function (SIFT, PolyPhen-2, Align-GVGD) all suggest that this variant is likely to be tolerated. This variant has not been reported in the literature in individuals affected with EOGT-related conditions. This variant is not present in population databases (gnomAD no frequency).

NM_001278689.2(EOGT):c.79C>T (p.His27Tyr)

Gene: EOGT (EGF domain specific O-linked N-acetylglucosamine transferase; minus strand). Cytogenetic location: 3p14.1.
Variant type: single nucleotide variant.
Coding change: c.79C>T on transcript NM_001278689.2 (MANE Select); coding-DNA position 79, C replaced by T.
Protein change: p.His27Tyr; replaces histidine 27 with tyrosine.
Molecular consequence: missense variant. On other transcripts: non-coding transcript variant (1).
Genome position (GRCh38, 1-based): chr3:69,009,768, G>A on the plus strand (C>T on the coding strand, the complement: EOGT is on the minus strand). VCF-style: chr3-69009768-G-A. GRCh37 (hg19) VCF-style: chr3-69058919-G-A.
Other names: c.79C>T, p.His27Tyr (NM_173654.3); short protein forms H27Y.
Identifiers: ClinVar variation 2147649 (VCV002147649.4), dbSNP rs1256790610, ClinGen allele CA353470055.
Genomic context (GRCh38, chr3:69,009,768, plus strand): 5'-TGTGCTCCTCTGGCAAGCGGATGCTGGCATAGTTATACAGAGGTTCGCCTGGAATGCTGT[G>A]AGTATTAGGAGGAGCTTCATTCTGACCACTCAGTGAGACTTCATGAAGTAAGACTCCAAA-3'
Protein context (NP_001265618.1, residues 17-37): SGQNEAPPNT[His27Tyr]SIPGEPLYNY